The following is an entry in ClinVar:

ClinVar aggregate classification (germline): Uncertain significance (1 of 4 stars; one submission).

Submission:

Labcorp Genetics (formerly Invitae), Labcorp
Classification: Uncertain significance. Last evaluated: 2022-06-20. Review status: criteria provided, single submitter. Criteria: Invitae Variant Classification Sherloc (09022015). Collection method: clinical testing. Allele origin: germline.
Comment: This sequence change replaces threonine, which is neutral and polar, with alanine, which is neutral and non-polar, at codon 1072 of the COL7A1 protein (p.Thr1072Ala). This variant is not present in population databases (gnomAD no frequency). This variant has not been reported in the literature in individuals affected with COL7A1-related conditions. Advanced modeling of protein sequence and biophysical properties (such as structural, functional, and spatial information, amino acid conservation, physicochemical variation, residue mobility, and thermodynamic stability) performed at Invitae indicates that this missense variant is not expected to disrupt COL7A1 protein function. In summary, the available evidence is currently insufficient to determine the role of this variant in disease. Therefore, it has been classified as a Variant of Uncertain Significance.

NM_000094.4(COL7A1):c.3214A>G (p.Thr1072Ala)

Gene: COL7A1 (collagen type VII alpha 1 chain; minus strand). Cytogenetic location: 3p21.31.
Variant type: single nucleotide variant.
Coding change: c.3214A>G on transcript NM_000094.4 (MANE Select); coding-DNA position 3214, A replaced by G.
Protein change: p.Thr1072Ala; replaces threonine 1072 with alanine.
Molecular consequence: missense variant.
Genome position (GRCh38, 1-based): chr3:48,587,034, T>C on the plus strand (A>G on the coding strand, the complement: COL7A1 is on the minus strand). VCF-style: chr3-48587034-T-C. GRCh37 (hg19) VCF-style: chr3-48624467-T-C.
Other names: short protein forms T1072A.
Identifiers: ClinVar variation 1482542 (VCV001482542.5), dbSNP rs2107753501, ClinGen allele CA352708748.